The following is an entry in ClinVar:

ClinVar aggregate classification (germline): Uncertain significance. Review status: criteria provided, multiple submitters, no conflicts (2 of 4 stars). 2 submissions from 2 submitters: Uncertain significance (2). Last evaluated 2020-06-03.

Conditions:
Autosomal recessive juvenile Parkinson disease 2. Also called: PARKINSON DISEASE, JUVENILE, AUTOSOMAL RECESSIVE; PRKN-Related Early-Onset Parkinson Disease; Parkinson disease, juvenile, type 2; Parkinson disease autosomal recessive, early onset; Juvenile parkinsonism; Parkinsonism, early onset, with diurnal fluctuation. Identifiers: Orphanet 2828, MedGen C1868675, MONDO:0010820, OMIM 600116.

Allele frequency attached by ClinVar (database versions not stated): gnomAD exomes 0.00001.
gnomAD v4.1: 18 of 1,613,112 alleles (0.0011%); highest among the groups gnomAD compares: Middle Eastern, 0.18%; no homozygotes.

Submissions (2):

Baylor Genetics
Classification: Uncertain significance for Autosomal recessive juvenile Parkinson disease 2. Last evaluated: 2020-06-03. Review status: criteria provided, single submitter. Criteria: ACMG Guidelines, 2015. Collection method: clinical testing. Allele origin: unknown. Affected: yes.
Comment: This variant was determined to be of uncertain significance according to ACMG Guidelines, 2015 [PMID:25741868].

Breakthrough Genomics
Classification: Uncertain significance. Review status: criteria provided, single submitter. Criteria: ACMG Guidelines, 2015. Collection method: not provided. Allele origin: germline. Inheritance: Autosomal recessive inheritance. Affected: yes.

NM_004562.3(PRKN):c.1302G>A (p.Met434Ile)

Gene: PRKN (parkin RBR E3 ubiquitin protein ligase; minus strand). Cytogenetic location: 6q26.
Variant type: single nucleotide variant.
Coding change: c.1302G>A on transcript NM_004562.3 (MANE Select); coding-DNA position 1302, G replaced by A.
Protein change: p.Met434Ile; replaces methionine 434 with isoleucine.
Molecular consequence: missense variant.
Genome position (GRCh38, 1-based): chr6:161,350,195, C>T on the plus strand (G>A on the coding strand, the complement: PRKN is on the minus strand). VCF-style: chr6-161350195-C-T. GRCh37 (hg19) VCF-style: chr6-161771227-C-T.
Other names: c.1218G>A, p.Met406Ile (NM_013987.3); c.855G>A, p.Met285Ile (NM_013988.3); short protein forms M406I, M434I, M285I.
Identifiers: ClinVar variation 1030818 (VCV001030818.2), dbSNP rs949479970, ClinGen allele CA151429477.
Genomic context (GRCh38, chr6:161,350,195, plus strand): 5'-GTTCCACTCGCAGCCACAGTTCCAGCACCACTCGAGCCTGCACTGGGGCTGCGGACACTT[C>T]ATGTGCATGCAGCCTCCTGTTGGGGGCAGAAAACAAAGGTGTGGTGGGTTCGCAGCAAGT-3'
Protein context (NP_004553.2, residues 424-444): PVEKNGGCMH[Met434Ile]KCPQPQCRLE